The following is an entry in ClinVar:

NM_001401501.2(MUC16):c.43413T>C (p.Ala14471=)

Gene: MUC16 (mucin 16, cell surface associated; minus strand). Cytogenetic location: 19p13.2.
Variant type: single nucleotide variant.
Coding change: c.43413T>C on transcript NM_001401501.2 (MANE Select); coding-DNA position 43413, T replaced by C.
Protein change: p.Ala14471=; no amino-acid change (alanine 14471 retained).
Molecular consequence: synonymous variant.
Genome position (GRCh38, 1-based): chr19:8,886,859, A>G on the plus strand (T>C on the coding strand, the complement: MUC16 is on the minus strand). VCF-style: chr19-8886859-A-G. GRCh37 (hg19) VCF-style: chr19-8997535-A-G.
Other names: c.43839T>C, p.Ala14613= (NM_001414686.1); c.43293T>C, p.Ala14431= (NM_001414687.1); c.40887T>C, p.Ala13629= (NM_024690.2).
Identifiers: ClinVar variation 3034263 (VCV003034263.2), dbSNP rs1224139408, ClinGen allele CA505284128.

ClinVar aggregate classification (germline): Likely benign (0 of 4 stars; one submission).

Conditions:
MUC16-related disorder. Also called: MUC16-related condition.

Allele frequency attached by ClinVar (database versions not stated): 1000 Genomes Project 30x 0.01343.

Submission:

PreventionGenetics, part of Exact Sciences
Classification: Likely benign for MUC16-related condition. Last evaluated: 2019-09-10. Review status: no assertion criteria provided. Collection method: clinical testing. Allele origin: germline.
Comment: This variant is classified as likely benign based on ACMG/AMP sequence variant interpretation guidelines (Richards et al. 2015 PMID: 25741868, with internal and published modifications).